The following is an entry in ClinVar:

ClinVar aggregate classification (germline): Uncertain significance. Review status: criteria provided, multiple submitters, no conflicts (2 of 4 stars). 2 submissions from 2 submitters: Uncertain significance (2). Last evaluated 2022-05-12.

Allele frequency attached by ClinVar (database versions not stated): gnomAD exomes 0.00001; TOPMed 0.00001.

Submissions (2):

Labcorp Genetics (formerly Invitae), Labcorp
Classification: Uncertain significance. Last evaluated: 2022-05-12. Review status: criteria provided, single submitter. Criteria: Invitae Variant Classification Sherloc (09022015). Collection method: clinical testing. Allele origin: germline.
Comment: Algorithms developed to predict the effect of missense changes on protein structure and function (SIFT, PolyPhen-2, Align-GVGD) all suggest that this variant is likely to be disruptive. In summary, the available evidence is currently insufficient to determine the role of this variant in disease. Therefore, it has been classified as a Variant of Uncertain Significance. This variant has not been reported in the literature in individuals affected with ARPC1B-related conditions. This variant is not present in population databases (gnomAD no frequency). This sequence change replaces valine, which is neutral and non-polar, with glycine, which is neutral and non-polar, at codon 268 of the ARPC1B protein (p.Val268Gly).

Blueprint Genetics
Classification: Uncertain significance. Last evaluated: 2018-05-03. Review status: criteria provided, single submitter. Criteria: ACMG Guidelines, 2015. Collection method: clinical testing. Allele origin: germline.

NM_005720.4(ARPC1B):c.803T>G (p.Val268Gly)

Gene: ARPC1B (actin related protein 2/3 complex subunit 1B; plus strand). Cytogenetic location: 7q22.1.
Variant type: single nucleotide variant.
Coding change: c.803T>G on transcript NM_005720.4 (MANE Select); coding-DNA position 803, T replaced by G.
Protein change: p.Val268Gly; replaces valine 268 with glycine.
Molecular consequence: missense variant.
Genome position (GRCh38, 1-based): chr7:99,392,690, T>G. VCF-style: chr7-99392690-T-G. GRCh37 (hg19) VCF-style: chr7-98990313-T-G.
Other names: short protein forms V268G.
Identifiers: ClinVar variation 2092693 (VCV002092693.4), dbSNP rs1794606871, ClinGen allele CA368327532.